The following is an entry in ClinVar:

ClinVar aggregate classification (germline): Conflicting classifications of pathogenicity. Review status: criteria provided, conflicting classifications (1 of 4 stars). 4 submissions from 4 submitters: Pathogenic (2); Likely pathogenic (1); Likely benign (1). Last evaluated 2026-03-17.

Conditions:
Cardiovascular phenotype. Identifiers: MedGen CN230736.
Dilated cardiomyopathy 1O (CMD1O). Also called: CARDIOMYOPATHY, DILATED, WITH VENTRICULAR TACHYCARDIA. Identifiers: Orphanet 154, MedGen C1837839, MONDO:0012062, OMIM 608569.
ABCC9-related disorder. Also called: ABCC9-related condition; ABCC9-related disorders.

Allele frequency attached by ClinVar (database versions not stated): TOPMed 0.00001; gnomAD exomes 0.00007; gnomAD 0.00009; ExAC 0.00013.
gnomAD v4.1: 113 of 1,611,000 alleles (0.007%); highest among the groups gnomAD compares: Non-Finnish European, 0.0029%; no homozygotes.

Submissions (4):

PreventionGenetics, part of Exact Sciences
Classification: Likely pathogenic for ABCC9-related condition. Last evaluated: 2026-03-17. Review status: criteria provided, single submitter. Criteria: ACMG Guidelines, 2015. Collection method: clinical testing. Allele origin: germline.
Comment: The ABCC9 c.565C>T variant is predicted to result in premature protein termination (p.Arg189*). To our knowledge, this variant has not been reported in the literature. This variant is reported in 0.11% of alleles in individuals of European (Finnish) descent in gnomAD, but is less frequent or absent from other populations in gnomAD. Nonsense variants in ABCC9 are expected to be pathogenic for autosomal recessive intellectual disability and myopathy syndrome (OMIM #619719). Therefore, this variant is interpreted as likely pathogenic for autosomal recessive ABCC9-related intellectual disability and myopathy syndrome, although its clinical significance is currently uncertain for autosomal dominant ABCC9-related disorders.

Labcorp Genetics (formerly Invitae), Labcorp
Classification: Pathogenic for Dilated cardiomyopathy 1O. Last evaluated: 2025-01-19. Review status: criteria provided, single submitter. Criteria: Invitae Variant Classification Sherloc (09022015). Collection method: clinical testing. Allele origin: germline.
Comment: This sequence change creates a premature translational stop signal (p.Arg189*) in the ABCC9 gene. It is expected to result in an absent or disrupted protein product. Loss-of-function variants in ABCC9 are known to be pathogenic (PMID: 31575858, 38217872). This variant is present in population databases (rs779793300, gnomAD 0.1%). This variant has not been reported in the literature in individuals affected with ABCC9-related conditions. ClinVar contains an entry for this variant (Variation ID: 2059714). For these reasons, this variant has been classified as Pathogenic.

Ambry Genetics
Classification: Pathogenic for Cardiovascular phenotype. Last evaluated: 2025-01-16. Review status: criteria provided, single submitter. Criteria: Ambry Variant Classification Scheme 2023. Collection method: clinical testing. Allele origin: germline.
Comment: The p.R189* pathogenic mutation (also known as c.565C>T), located in coding exon 4 of the ABCC9 gene, results from a C to T substitution at nucleotide position 565. This changes the amino acid from an arginine to a stop codon within coding exon 4. Based on data from gnomAD, the frequency for this variant is above the maximum credible frequency for an autosomal dominant Cant&uacute; syndrome-causing variant in this gene based on internally established thresholds (Karczewski et al. Nature. 2020 May;581(7809):434-443; Whiffin et al. Genet Med. 2017 10;19:1151-1158). This alteration is expected to result in loss of function by premature protein truncation or nonsense-mediated mRNA decay. Although biallelic loss of function of ABCC9 has been associated with ABCC9-related neurodevelopmental myopathy syndrome, haploinsufficiency of ABCC9 has not been established as a mechanism of disease for ABCC9-related Cant&uacute; syndrome. Based on the supporting evidence, this variant is expected to be causative of ABCC9-related neurodevelopmental myopathy syndrome when present along with a second pathogenic variant on the other allele; however, it is unlikely to be causative of autosomal dominant ABCC9-related Cant&uacute; syndrome.

Blueprint Genetics
Classification: Likely benign. Last evaluated: 2024-09-13. Review status: criteria provided, single submitter. Criteria: ACMG Guidelines, 2015. Collection method: clinical testing. Allele origin: germline.

Literature cited by the submitters: PubMed 31575858 (cited by Labcorp Genetics (formerly Invitae), Labcorp); PubMed 38217872 (cited by Labcorp Genetics (formerly Invitae), Labcorp).

NM_020297.4(ABCC9):c.565C>T (p.Arg189Ter)

Gene: ABCC9 (ATP binding cassette subfamily C member 9; minus strand). Cytogenetic location: 12p12.1.
Variant type: single nucleotide variant.
Coding change: c.565C>T on transcript NM_020297.4 (MANE Select); coding-DNA position 565, C replaced by T.
Protein change: p.Arg189Ter; replaces arginine 189 with a stop codon.
Molecular consequence: nonsense. On other transcripts: intron variant (1).
Genome position (GRCh38, 1-based): chr12:21,916,945, G>A on the plus strand (C>T on the coding strand, the complement: ABCC9 is on the minus strand). VCF-style: chr12-21916945-G-A. GRCh37 (hg19) VCF-style: chr12-22069879-G-A.
Other names: c.565C>T, p.Arg189Ter (NM_001377273.1, NM_005691.4); c.-48-3879C>T (NM_001377274.1); c.565C>T (NM_020297.3); short protein forms R189*.
Identifiers: ClinVar variation 2059714 (VCV002059714.7), dbSNP rs779793300, ClinGen allele CA6481850.
Genomic context (GRCh38, chr12:21,916,945, plus strand): 5'-CATATTGGGGTCTTGAATCCAAGTAACTAAACAAAAGCCATTAGCTACCTACCCTGACTC[G>A]AATGACATTGATCTCCACAGCCATCAAGAGCCCATTCAAGATGACCATCATGCCTGTGAT-3'